The following is an entry in ClinVar:

NM_032608.7(MYO18B):c.1340A>G (p.Glu447Gly)

Gene: MYO18B (myosin XVIIIB; plus strand). Cytogenetic location: 22q12.1.
Variant type: single nucleotide variant.
Coding change: c.1340A>G on transcript NM_032608.7 (MANE Select); coding-DNA position 1340, A replaced by G.
Protein change: p.Glu447Gly; replaces glutamic acid 447 with glycine.
Molecular consequence: missense variant.
Genome position (GRCh38, 1-based): chr22:25,769,256, A>G. VCF-style: chr22-25769256-A-G. GRCh37 (hg19) VCF-style: chr22-26165223-A-G.
Other names: c.1340A>G, p.Glu447Gly (NM_001318245.2); short protein forms E447G.
Identifiers: ClinVar variation 1926260 (VCV001926260.5), dbSNP rs757099949, ClinGen allele CA10159807.

ClinVar aggregate classification (germline): Uncertain significance (1 of 4 stars; one submission).

Allele frequency attached by ClinVar (database versions not stated): gnomAD exomes below 0.00001; gnomAD 0.00001; ExAC 0.00002.
gnomAD v4.1: 3 of 1,593,704 alleles (0.00019%); highest among the groups gnomAD compares: Admixed American, 0.0036%; no homozygotes.

Submission:

Labcorp Genetics (formerly Invitae), Labcorp
Classification: Uncertain significance. Last evaluated: 2022-07-18. Review status: criteria provided, single submitter. Criteria: Invitae Variant Classification Sherloc (09022015). Collection method: clinical testing. Allele origin: germline.
Comment: This sequence change replaces glutamic acid, which is acidic and polar, with glycine, which is neutral and non-polar, at codon 447 of the MYO18B protein (p.Glu447Gly). In summary, the available evidence is currently insufficient to determine the role of this variant in disease. Therefore, it has been classified as a Variant of Uncertain Significance. Algorithms developed to predict the effect of missense changes on protein structure and function output the following: SIFT: "Not Available"; PolyPhen-2: "Benign"; Align-GVGD: "Not Available". The glycine amino acid residue is found in multiple mammalian species, which suggests that this missense change does not adversely affect protein function. This variant has not been reported in the literature in individuals affected with MYO18B-related conditions. The frequency data for this variant in the population databases is considered unreliable, as metrics indicate poor data quality at this position in the gnomAD database.